The following is an entry in ClinVar:

ClinVar aggregate classification (germline): Uncertain significance (1 of 4 stars; one submission).

Submission:

Labcorp Genetics (formerly Invitae), Labcorp
Classification: Uncertain significance. Last evaluated: 2021-10-13. Review status: criteria provided, single submitter. Criteria: Invitae Variant Classification Sherloc (09022015). Collection method: clinical testing. Allele origin: germline.
Comment: This variant has not been reported in the literature in individuals affected with CACNA1F-related conditions. Algorithms developed to predict the effect of missense changes on protein structure and function are either unavailable or do not agree on the potential impact of this missense change (SIFT: "Deleterious"; PolyPhen-2: "Benign"; Align-GVGD: "Class C65"). In summary, the available evidence is currently insufficient to determine the role of this variant in disease. Therefore, it has been classified as a Variant of Uncertain Significance. This variant is not present in population databases (ExAC no frequency). This sequence change replaces cysteine with tyrosine at codon 1398 of the CACNA1F protein (p.Cys1398Tyr). The cysteine residue is highly conserved and there is a large physicochemical difference between cysteine and tyrosine.

NM_001256789.3(CACNA1F):c.4160G>A (p.Cys1387Tyr)

Gene: CACNA1F (calcium voltage-gated channel subunit alpha1 F; minus strand). Cytogenetic location: Xp11.23.
Variant type: single nucleotide variant.
Coding change: c.4160G>A on transcript NM_001256789.3 (MANE Select); coding-DNA position 4160, G replaced by A.
Protein change: p.Cys1387Tyr; replaces cysteine 1387 with tyrosine.
Molecular consequence: missense variant.
Genome position (GRCh38, 1-based): chrX:49,211,422, C>T on the plus strand (G>A on the coding strand, the complement: CACNA1F is on the minus strand). VCF-style: chrX-49211422-C-T. GRCh37 (hg19) VCF-style: chrX-49067882-C-T.
Other names: c.3998G>A, p.Cys1333Tyr (NM_001256790.3); c.4193G>A, p.Cys1398Tyr (NM_005183.4); short protein forms C1387Y, C1333Y, C1398Y.
Identifiers: ClinVar variation 1386694 (VCV001386694.6), dbSNP rs2147897149, ClinGen allele CA412961687.